The following is an entry in ClinVar:

ClinVar aggregate classification (germline): Uncertain significance. Review status: criteria provided, single submitter (1 of 4 stars). 4 submissions from 4 submitters: Uncertain significance (1). 3 of the submissions do not count toward it. Last evaluated 2025-08-22.

Allele frequency attached by ClinVar (database versions not stated): gnomAD 0.00003; TOPMed 0.00003; gnomAD exomes 0.00004.
gnomAD v4.1: 46 of 1,192,886 alleles (0.0039%); highest among the groups gnomAD compares: Non-Finnish European, 0.0051%; no homozygotes.

Submissions (4):

Labcorp Genetics (formerly Invitae), Labcorp
Classification: Uncertain significance. Last evaluated: 2025-08-22. Review status: criteria provided, single submitter. Criteria: Invitae Variant Classification Sherloc (09022015). Collection method: clinical testing. Allele origin: germline.
Comment: This sequence change replaces glycine, which is neutral and non-polar, with arginine, which is basic and polar, at codon 194 of the CFP protein (p.Gly194Arg). This variant is not present in population databases (gnomAD no frequency). This variant has not been reported in the literature in individuals affected with CFP-related conditions. ClinVar contains an entry for this variant (Variation ID: 1209881). Invitae Evidence Modeling of protein sequence and biophysical properties (such as structural, functional, and spatial information, amino acid conservation, physicochemical variation, residue mobility, and thermodynamic stability) indicates that this missense variant is expected to disrupt CFP protein function with a positive predictive value of 80%. In summary, the available evidence is currently insufficient to determine the role of this variant in disease. Therefore, it has been classified as a Variant of Uncertain Significance.

Clinical Genetics DNA and cytogenetics Diagnostics Lab, Erasmus MC, Erasmus Medical Center
Classification: Uncertain significance. Review status: no assertion criteria provided. Collection method: clinical testing. Allele origin: germline. Affected: yes. Study: VKGL Data-share Consensus. Not counted in ClinVar's aggregate classification.

Genome Diagnostics Laboratory, Amsterdam University Medical Center
Classification: Uncertain significance. Review status: no assertion criteria provided. Collection method: clinical testing. Allele origin: germline. Affected: yes. Study: VKGL Data-share Consensus. Not counted in ClinVar's aggregate classification.

Joint Genome Diagnostic Labs from Nijmegen and Maastricht, Radboudumc and MUMC+
Classification: Uncertain significance. Review status: no assertion criteria provided. Collection method: clinical testing. Allele origin: germline. Affected: yes. Study: VKGL Data-share Consensus. Not counted in ClinVar's aggregate classification.

NM_001145252.3(CFP):c.580G>A (p.Gly194Arg)

Gene: CFP (complement factor properdin; minus strand). Cytogenetic location: Xp11.23.
Variant type: single nucleotide variant.
Coding change: c.580G>A on transcript NM_001145252.3 (MANE Select); coding-DNA position 580, G replaced by A.
Protein change: p.Gly194Arg; replaces glycine 194 with arginine.
Molecular consequence: missense variant.
Genome position (GRCh38, 1-based): chrX:47,627,327, C>T on the plus strand (G>A on the coding strand, the complement: CFP is on the minus strand). VCF-style: chrX-47627327-C-T. GRCh37 (hg19) VCF-style: chrX-47486726-C-T.
Other names: c.580G>A, p.Gly194Arg (NM_002621.2); short protein forms G194R.
Identifiers: ClinVar variation 1209881 (VCV001209881.9), dbSNP rs755651023, ClinGen allele CA329071083.